The following is an entry in ClinVar:

NM_014855.3(AP5Z1):c.179+3G>A

Gene: AP5Z1 (adaptor related protein complex 5 subunit zeta 1; plus strand). Cytogenetic location: 7p22.1.
Variant type: single nucleotide variant.
Coding change: c.179+3G>A on transcript NM_014855.3 (MANE Select); 3 bases into the intron after coding-DNA position 179, G replaced by A.
Molecular consequence: intron variant.
Genome position (GRCh38, 1-based): chr7:4,781,315, G>A. VCF-style: chr7-4781315-G-A. GRCh37 (hg19) VCF-style: chr7-4820946-G-A.
Other names: c.-103+3G>A (NM_001364858.1).
Identifiers: ClinVar variation 2085814 (VCV002085814.4), dbSNP rs1255257676, ClinGen allele CA572818975.

ClinVar aggregate classification (germline): Uncertain significance (1 of 4 stars; one submission).

Conditions:
Hereditary spastic paraplegia 48. Also called: SPASTIC PARAPLEGIA 48, AUTOSOMAL RECESSIVE; Spastic paraplegia 48. Identifiers: Orphanet 306511, MedGen C3150901, MONDO:0013342, OMIM 613647.

Allele frequency attached by ClinVar (database versions not stated): gnomAD exomes below 0.00001; TOPMed 0.00002.
gnomAD v4.1: 4 of 1,613,032 alleles (0.00025%); highest among the groups gnomAD compares: Admixed American, 0.0033%; no homozygotes.

Submission:

Labcorp Genetics (formerly Invitae), Labcorp
Classification: Uncertain significance for Hereditary spastic paraplegia 48. Last evaluated: 2024-05-06. Review status: criteria provided, single submitter. Criteria: Invitae Variant Classification Sherloc (09022015). Collection method: clinical testing. Allele origin: germline.
Comment: This sequence change falls in intron 2 of the AP5Z1 gene. It does not directly change the encoded amino acid sequence of the AP5Z1 protein. It affects a nucleotide within the consensus splice site. This variant is present in population databases (no rsID available, gnomAD 0.009%). This variant has not been reported in the literature in individuals affected with AP5Z1-related conditions. ClinVar contains an entry for this variant (Variation ID: 2085814). Variants that disrupt the consensus splice site are a relatively common cause of aberrant splicing (PMID: 17576681, 9536098). Algorithms developed to predict the effect of sequence changes on RNA splicing suggest that this variant is not likely to affect RNA splicing. In summary, the available evidence is currently insufficient to determine the role of this variant in disease. Therefore, it has been classified as a Variant of Uncertain Significance.

Literature cited by the submitters: PubMed 17576681; PubMed 9536098.